The following is an entry in ClinVar:

ClinVar aggregate classification (germline): Uncertain significance (0 of 4 stars; one submission).

Conditions:
HTR2C-related disorder. Also called: HTR2C-related condition.

gnomAD v4.1: 4 of 1,204,208 alleles (0.00033%); highest among the groups gnomAD compares: South Asian, 0.0018%; no homozygotes.

Submission:

PreventionGenetics, part of Exact Sciences
Classification: Uncertain significance for HTR2C-related condition. Last evaluated: 2024-08-06. Review status: no assertion criteria provided. Collection method: clinical testing. Allele origin: germline.
Comment: The HTR2C c.124G>A variant is predicted to result in the amino acid substitution p.Asp42Asn. To our knowledge, this variant has not been reported in the literature or in a large population database, indicating this variant is rare. At this time, the clinical significance of this variant is uncertain due to the absence of conclusive functional and genetic evidence.

NM_000868.4(HTR2C):c.124G>A (p.Asp42Asn)

Gene: HTR2C (5-hydroxytryptamine receptor 2C; plus strand). Cytogenetic location: Xq23.
Variant type: single nucleotide variant.
Coding change: c.124G>A on transcript NM_000868.4 (MANE Select); coding-DNA position 124, G replaced by A.
Protein change: p.Asp42Asn; replaces aspartic acid 42 with asparagine.
Molecular consequence: missense variant.
Genome position (GRCh38, 1-based): chrX:114,731,382, G>A. VCF-style: chrX-114731382-G-A. GRCh37 (hg19) VCF-style: chrX-113965791-G-A.
Other names: c.124G>A, p.Asp42Asn (NM_001256760.3, NM_001256761.3); short protein forms D42N.
Identifiers: ClinVar variation 3348890 (VCV003348890.1).